The following is an entry in ClinVar:

ClinVar aggregate classification (germline): Uncertain significance. Review status: criteria provided, multiple submitters, no conflicts (2 of 4 stars). 2 submissions from 2 submitters: Uncertain significance (2). Last evaluated 2024-03-05.

Conditions:
Hypertrophic cardiomyopathy. Also called: HYPERTROPHIC MYOCARDIOPATHY. Identifiers: Orphanet 217569, MedGen C0007194, MeSH D002312, MONDO:0005045, HP:0001639.
Hypertrophic cardiomyopathy 10. Also called: CARDIOMYOPATHY, HYPERTROPHIC, MID-LEFT VENTRICULAR CHAMBER TYPE, 2; MYL2-Related Familial Hypertrophic Cardiomyopathy. Identifiers: MedGen C1834460, MONDO:0012112, OMIM 608758.

Allele frequency attached by ClinVar (database versions not stated): gnomAD exomes below 0.00001.
gnomAD v4.1: 1 of 1,613,238 alleles (0.000062%); highest among the groups gnomAD compares: Non-Finnish European, 0.000085%; no homozygotes.

Submissions (2):

All of Us Research Program, National Institutes of Health
Classification: Uncertain significance for Hypertrophic cardiomyopathy. Last evaluated: 2024-03-05. Review status: criteria provided, single submitter. Criteria: ACMG Guidelines, 2015. Collection method: clinical testing. Allele origin: germline. Inheritance: Autosomal dominant inheritance. Observed: 1 variant allele, 1 heterozygote.
Comment: This study involves interpretation of variants in research participants for the purpose of population health screening. Participant phenotype was not available at the time of variant classification. Additional details can be found in publication PMID: 35346344, PMCID: PMC8962531

Labcorp Genetics (formerly Invitae), Labcorp
Classification: Uncertain significance for Hypertrophic cardiomyopathy 10. Last evaluated: 2024-02-12. Review status: criteria provided, single submitter. Criteria: Invitae Variant Classification Sherloc (09022015). Collection method: clinical testing. Allele origin: germline.
Comment: This sequence change replaces glutamic acid, which is acidic and polar, with alanine, which is neutral and non-polar, at codon 88 of the MYL2 protein (p.Glu88Ala). This variant is not present in population databases (gnomAD no frequency). This variant has not been reported in the literature in individuals affected with MYL2-related conditions. ClinVar contains an entry for this variant (Variation ID: 2017686). An algorithm developed to predict the effect of missense changes on protein structure and function (PolyPhen-2) suggests that this variant is likely to be disruptive. In summary, the available evidence is currently insufficient to determine the role of this variant in disease. Therefore, it has been classified as a Variant of Uncertain Significance.

NM_000432.4(MYL2):c.263A>C (p.Glu88Ala)

Gene: MYL2 (myosin light chain 2; minus strand). Cytogenetic location: 12q24.11.
Variant type: single nucleotide variant.
Coding change: c.263A>C on transcript NM_000432.4 (MANE Select); coding-DNA position 263, A replaced by C.
Protein change: p.Glu88Ala; replaces glutamic acid 88 with alanine.
Molecular consequence: missense variant.
Genome position (GRCh38, 1-based): chr12:110,914,197, T>G on the plus strand (A>C on the coding strand, the complement: MYL2 is on the minus strand). VCF-style: chr12-110914197-T-G. GRCh37 (hg19) VCF-style: chr12-111352001-T-G.
Other names: c.221A>C, p.Glu74Ala (NM_001406745.1, NM_001406746.1); c.206A>C, p.Glu69Ala (NM_001406916.1); short protein forms E69A, E74A, E88A.
Identifiers: ClinVar variation 2017686 (VCV002017686.5), dbSNP rs2499809692, ClinGen allele CA386698664.